The following is an entry in ClinVar:

NM_003482.4(KMT2D):c.2579T>C (p.Leu860Pro)

Gene: KMT2D (lysine methyltransferase 2D; minus strand). Cytogenetic location: 12q13.12.
Variant type: single nucleotide variant.
Coding change: c.2579T>C on transcript NM_003482.4 (MANE Select); coding-DNA position 2579, T replaced by C.
Protein change: p.Leu860Pro; replaces leucine 860 with proline.
Molecular consequence: missense variant.
Genome position (GRCh38, 1-based): chr12:49,051,104, A>G on the plus strand (T>C on the coding strand, the complement: KMT2D is on the minus strand). VCF-style: chr12-49051104-A-G. GRCh37 (hg19) VCF-style: chr12-49444887-A-G.
Other names: c.2579T>C (NM_003482.3); short protein forms L860P.
Identifiers: ClinVar variation 1365684 (VCV001365684.9), dbSNP rs775496424, ClinGen allele CA6548231.
Genomic context (GRCh38, chr12:49,051,104, plus strand): 5'-AGCTCCTCAGGTGCAGGGCATTGGCCTGGCTCCTCAGGGGGCTTTTCAGGCCGAGGGGAC[A>G]GGGGTGGCTTCTCAAGCTCAGGGGACAGATGCGATTCCTCAGGCCGGGGGGACAGGCATG-3'
Protein context (NP_003473.3, residues 850-870): HLSPELEKPP[Leu860Pro]SPRPEKPPEE

ClinVar aggregate classification (germline): Benign/Likely benign. Review status: criteria provided, multiple submitters, no conflicts (2 of 4 stars). 2 submissions from 2 submitters: Benign (1); Likely benign (1). Last evaluated 2026-01-14.

Conditions:
Kabuki syndrome. Also called: Kabuki make-up syndrome; NIIKAWA-KUROKI SYNDROME. Identifiers: Orphanet 2322, MedGen C0796004, MONDO:0016512.
KMT2D-related disorder. Also called: KMT2D-Related Disorders.

Allele frequency attached by ClinVar (database versions not stated): gnomAD exomes 0.00001.
gnomAD v4.1: 12 of 1,521,404 alleles (0.00079%); highest among the groups gnomAD compares: Middle Eastern, 0.018%; no homozygotes.

Submissions (2):

Labcorp Genetics (formerly Invitae), Labcorp
Classification: Benign for Kabuki syndrome. Last evaluated: 2026-01-14. Review status: criteria provided, single submitter. Criteria: Invitae Variant Classification Sherloc (09022015). Collection method: clinical testing. Allele origin: germline.

PreventionGenetics, part of Exact Sciences
Classification: Likely benign for KMT2D-related condition. Last evaluated: 2025-06-04. Review status: criteria provided, single submitter. Criteria: ACMG Guidelines, 2015. Collection method: clinical testing. Allele origin: germline.
Comment: This variant is classified as likely benign based on ACMG/AMP sequence variant interpretation guidelines (Richards et al. 2015 PMID: 25741868, with internal and published modifications).